The following is an entry in ClinVar:

NM_003922.4(HERC1):c.6058G>A (p.Glu2020Lys)

Gene: HERC1 (HECT and RLD domain containing E3 ubiquitin protein ligase family member 1; minus strand). Cytogenetic location: 15q22.31.
Variant type: single nucleotide variant.
Coding change: c.6058G>A on transcript NM_003922.4 (MANE Select); coding-DNA position 6058, G replaced by A.
Protein change: p.Glu2020Lys; replaces glutamic acid 2020 with lysine.
Molecular consequence: missense variant.
Genome position (GRCh38, 1-based): chr15:63,686,526, C>T on the plus strand (G>A on the coding strand, the complement: HERC1 is on the minus strand). VCF-style: chr15-63686526-C-T. GRCh37 (hg19) VCF-style: chr15-63978725-C-T.
Other names: c.6058G>A (NM_003922.3); short protein forms E2020K.
Identifiers: ClinVar variation 1939059 (VCV001939059.6), dbSNP rs767010122, ClinGen allele CA7605399.

ClinVar aggregate classification (germline): Uncertain significance. Review status: criteria provided, multiple submitters, no conflicts (2 of 4 stars). 2 submissions from 2 submitters: Uncertain significance (2). Last evaluated 2024-12-23.

Conditions:
Inborn genetic diseases. Identifiers: MedGen C0950123, MeSH D030342.

Allele frequency attached by ClinVar (database versions not stated): TOPMed below 0.00001; ExAC 0.00001; gnomAD 0.00002; gnomAD exomes 0.00002.
gnomAD v4.1: 16 of 1,612,116 alleles (0.00099%); highest among the groups gnomAD compares: South Asian, 0.0044%; 1 homozygote.

Submissions (2):

Ambry Genetics
Classification: Uncertain significance for Inborn genetic diseases. Last evaluated: 2024-12-23. Review status: criteria provided, single submitter. Criteria: Ambry Variant Classification Scheme 2023. Collection method: clinical testing. Allele origin: germline.

Labcorp Genetics (formerly Invitae), Labcorp
Classification: Uncertain significance. Last evaluated: 2022-05-25. Review status: criteria provided, single submitter. Criteria: Invitae Variant Classification Sherloc (09022015). Collection method: clinical testing. Allele origin: germline.
Comment: This variant has not been reported in the literature in individuals affected with HERC1-related conditions. This variant is present in population databases (rs767010122, gnomAD 0.01%). This sequence change replaces glutamic acid, which is acidic and polar, with lysine, which is basic and polar, at codon 2020 of the HERC1 protein (p.Glu2020Lys). Algorithms developed to predict the effect of missense changes on protein structure and function are either unavailable or do not agree on the potential impact of this missense change (SIFT: "Deleterious"; PolyPhen-2: "Benign"; Align-GVGD: "Class C55"). In summary, the available evidence is currently insufficient to determine the role of this variant in disease. Therefore, it has been classified as a Variant of Uncertain Significance.